The following is an entry in ClinVar:

NM_004727.3(SLC24A1):c.863A>G (p.Glu288Gly)

Gene: SLC24A1 (solute carrier family 24 member 1; plus strand). Cytogenetic location: 15q22.31.
Variant type: single nucleotide variant.
Coding change: c.863A>G on transcript NM_004727.3 (MANE Select); coding-DNA position 863, A replaced by G.
Protein change: p.Glu288Gly; replaces glutamic acid 288 with glycine.
Molecular consequence: missense variant.
Genome position (GRCh38, 1-based): chr15:65,624,943, A>G. VCF-style: chr15-65624943-A-G. GRCh37 (hg19) VCF-style: chr15-65917281-A-G.
Other names: c.863A>G, p.Glu288Gly (NM_001301031.1, NM_001301032.1, NM_001301033.2); short protein forms E288G.
Identifiers: ClinVar variation 844246 (VCV000844246.8), dbSNP rs901728428, ClinGen allele CA271588128.
Genomic context (GRCh38, chr15:65,624,943, plus strand): 5'-TCTTGACTTCTCCAAGGAGCGTCATGGAAAAAAACAACCTGTTTCCCCCCAGAAGAGTGG[A>G]AAGTAACAGCTCAGCCCATCCCTGGGGGTTAGTGGGAAAGAGCAACCCGAAGACTCCCCA-3'
Protein context (NP_004718.1, residues 278-298): KNNLFPPRRV[Glu288Gly]SNSSAHPWGL

ClinVar aggregate classification (germline): Uncertain significance (1 of 4 stars; one submission).

Allele frequency attached by ClinVar (database versions not stated): TOPMed below 0.00001; gnomAD exomes below 0.00001.
gnomAD v4.1: 2 of 1,611,856 alleles (0.00012%); highest among the groups gnomAD compares: African/African-American, 0.0027%; no homozygotes.

Submission:

Labcorp Genetics (formerly Invitae), Labcorp
Classification: Uncertain significance. Last evaluated: 2022-03-10. Review status: criteria provided, single submitter. Criteria: Invitae Variant Classification Sherloc (09022015). Collection method: clinical testing. Allele origin: germline.
Comment: Algorithms developed to predict the effect of missense changes on protein structure and function output the following: SIFT: "Tolerated"; PolyPhen-2: "Benign"; Align-GVGD: "Class C0". The glycine amino acid residue is found in multiple mammalian species, which suggests that this missense change does not adversely affect protein function. In summary, the available evidence is currently insufficient to determine the role of this variant in disease. Therefore, it has been classified as a Variant of Uncertain Significance. ClinVar contains an entry for this variant (Variation ID: 844246). This sequence change replaces glutamic acid, which is acidic and polar, with glycine, which is neutral and non-polar, at codon 288 of the SLC24A1 protein (p.Glu288Gly). This variant is present in population databases (no rsID available, gnomAD 0.007%). This variant has not been reported in the literature in individuals affected with SLC24A1-related conditions.